The following is an entry in ClinVar:

NM_001038.6(SCNN1A):c.1743C>A (p.Phe581Leu)

Gene: SCNN1A (sodium channel epithelial 1 subunit alpha; minus strand). Cytogenetic location: 12p13.31.
Variant type: single nucleotide variant.
Coding change: c.1743C>A on transcript NM_001038.6 (MANE Select); coding-DNA position 1743, C replaced by A.
Protein change: p.Phe581Leu; replaces phenylalanine 581 with leucine.
Molecular consequence: missense variant.
Genome position (GRCh38, 1-based): chr12:6,348,140, G>T on the plus strand (C>A on the coding strand, the complement: SCNN1A is on the minus strand). VCF-style: chr12-6348140-G-T. GRCh37 (hg19) VCF-style: chr12-6457306-G-T.
Other names: c.1812C>A, p.Phe604Leu (NM_001159575.2); c.1920C>A, p.Phe640Leu (NM_001159576.2); short protein forms F581L, F604L, F640L.
Identifiers: ClinVar variation 1908745 (VCV001908745.7), dbSNP rs1165023866, ClinGen allele CA383553029.

ClinVar aggregate classification (germline): Uncertain significance. Review status: criteria provided, multiple submitters, no conflicts (2 of 4 stars). 2 submissions from 2 submitters: Uncertain significance (2). Last evaluated 2025-04-20.

Conditions:
Inborn genetic diseases. Identifiers: MedGen C0950123, MeSH D030342.

Allele frequency attached by ClinVar (database versions not stated): gnomAD 0.00001; gnomAD exomes 0.00002; TOPMed 0.00002.
gnomAD v4.1: 33 of 1,614,050 alleles (0.002%); highest among the groups gnomAD compares: Admixed American, 0.0033%; no homozygotes.

Submissions (2):

Ambry Genetics
Classification: Uncertain significance for Inborn genetic diseases. Last evaluated: 2025-04-20. Review status: criteria provided, single submitter. Criteria: Ambry Variant Classification Scheme 2023. Collection method: clinical testing. Allele origin: germline.

Labcorp Genetics (formerly Invitae), Labcorp
Classification: Uncertain significance. Last evaluated: 2022-08-23. Review status: criteria provided, single submitter. Criteria: Invitae Variant Classification Sherloc (09022015). Collection method: clinical testing. Allele origin: germline.
Comment: In summary, the available evidence is currently insufficient to determine the role of this variant in disease. Therefore, it has been classified as a Variant of Uncertain Significance. Algorithms developed to predict the effect of missense changes on protein structure and function output the following: SIFT: "Tolerated"; PolyPhen-2: "Benign"; Align-GVGD: "Class C0". The leucine amino acid residue is found in multiple mammalian species, which suggests that this missense change does not adversely affect protein function. This variant has not been reported in the literature in individuals affected with SCNN1A-related conditions. This variant is present in population databases (no rsID available, gnomAD 0.003%). This sequence change replaces phenylalanine, which is neutral and non-polar, with leucine, which is neutral and non-polar, at codon 581 of the SCNN1A protein (p.Phe581Leu).